The following is an entry in ClinVar:

ClinVar aggregate classification (germline): Uncertain significance (1 of 4 stars; one submission).

Conditions:
TNF receptor-associated periodic fever syndrome (TRAPS) (FPF). Also called: FAMILIAL HIBERNIAN FEVER; TNF RECEPTOR-ASSOCIATED PERIODIC SYNDROME; TUMOR NECROSIS FACTOR RECEPTOR-ASSOCIATED PERIODIC SYNDROME; Autosomal Dominant Familial Periodic Fever; TNF Receptor-Associated Periodic Fever Syndrome; TNF receptor 1-associated periodic fever syndrome. Identifiers: Orphanet 32960, MedGen C1275126, MONDO:0007727, OMIM 142680.

gnomAD v4.1: 11 of 1,571,676 alleles (0.0007%); highest among the groups gnomAD compares: Non-Finnish European, 0.00095%; no homozygotes.

Submission:

Labcorp Genetics (formerly Invitae), Labcorp
Classification: Uncertain significance for TNF receptor-associated periodic fever syndrome (TRAPS). Last evaluated: 2024-02-16. Review status: criteria provided, single submitter. Criteria: Invitae Variant Classification Sherloc (09022015). Collection method: clinical testing. Allele origin: germline.
Comment: This sequence change replaces proline, which is neutral and non-polar, with alanine, which is neutral and non-polar, at codon 305 of the TNFRSF1A protein (p.Pro305Ala). This variant is not present in population databases (gnomAD no frequency). This variant has not been reported in the literature in individuals affected with TNFRSF1A-related conditions. Algorithms developed to predict the effect of missense changes on protein structure and function output the following: SIFT: "Not Available"; PolyPhen-2: "Benign"; Align-GVGD: "Not Available". The alanine amino acid residue is found in multiple mammalian species, which suggests that this missense change does not adversely affect protein function. In summary, the available evidence is currently insufficient to determine the role of this variant in disease. Therefore, it has been classified as a Variant of Uncertain Significance.

NM_001065.4(TNFRSF1A):c.913C>G (p.Pro305Ala)

Gene: TNFRSF1A (TNF receptor superfamily member 1A; minus strand). Cytogenetic location: 12p13.31.
Variant type: single nucleotide variant.
Coding change: c.913C>G on transcript NM_001065.4 (MANE Select); coding-DNA position 913, C replaced by G.
Protein change: p.Pro305Ala; replaces proline 305 with alanine.
Molecular consequence: missense variant. On other transcripts: non-coding transcript variant (1).
Genome position (GRCh38, 1-based): chr12:6,329,922, G>C on the plus strand (C>G on the coding strand, the complement: TNFRSF1A is on the minus strand). VCF-style: chr12-6329922-G-C. GRCh37 (hg19) VCF-style: chr12-6439088-G-C.
Other names: c.589C>G, p.Pro197Ala (NM_001346091.2); c.454C>G, p.Pro152Ala (NM_001346092.2); short protein forms P152A, P197A, P305A.
Identifiers: ClinVar variation 3700292 (VCV003700292.2).